The following is an entry in ClinVar:

ClinVar aggregate classification (germline): Likely benign (0 of 4 stars; one submission).

Conditions:
DIP2A-related disorder. Also called: DIP2A-related condition.

Allele frequency attached by ClinVar (database versions not stated): gnomAD 0.00005; ExAC 0.00008; 1000 Genomes Project 30x 0.00047.
gnomAD v4.1: 33 of 1,521,102 alleles (0.0022%); highest among the groups gnomAD compares: East Asian, 0.049%; no homozygotes.

Submission:

PreventionGenetics, part of Exact Sciences
Classification: Likely benign for DIP2A-related condition. Last evaluated: 2019-08-21. Review status: no assertion criteria provided. Collection method: clinical testing. Allele origin: germline.
Comment: This variant is classified as likely benign based on ACMG/AMP sequence variant interpretation guidelines (Richards et al. 2015 PMID: 25741868, with internal and published modifications).

NM_015151.4(DIP2A):c.91+8G>A

Genes: DIP2A (disco interacting protein 2 homolog A; plus strand), LOC130066882 (ATAC-STARR-seq lymphoblastoid silent region 13422; plus strand). Cytogenetic location: 21q22.3.
Variant type: single nucleotide variant.
Coding change: c.91+8G>A on transcript NM_015151.4 (MANE Select); 8 bases into the intron after coding-DNA position 91, G replaced by A.
Molecular consequence: intron variant.
Genome position (GRCh38, 1-based): chr21:46,459,230, G>A. VCF-style: chr21-46459230-G-A. GRCh37 (hg19) VCF-style: chr21-47879143-G-A.
Other names: c.91+8G>A (NM_001353943.2, NM_001353942.2, NM_001410751.1 and 6 more transcripts).
Identifiers: ClinVar variation 3053234 (VCV003053234.2), dbSNP rs764884297, ClinGen allele CA10081603.